The following is an entry in ClinVar:

NM_015631.6(TCTN3):c.1087C>T (p.Arg363Cys)

Gene: TCTN3 (tectonic family member 3; minus strand). Cytogenetic location: 10q24.1.
Variant type: single nucleotide variant.
Coding change: c.1087C>T on transcript NM_015631.6 (MANE Select); coding-DNA position 1087, C replaced by T.
Protein change: p.Arg363Cys; replaces arginine 363 with cysteine.
Molecular consequence: missense variant. On other transcripts: intron variant (1).
Genome position (GRCh38, 1-based): chr10:95,684,507, G>A on the plus strand (C>T on the coding strand, the complement: TCTN3 is on the minus strand). VCF-style: chr10-95684507-G-A. GRCh37 (hg19) VCF-style: chr10-97444264-G-A.
Other names: c.652-878C>T (NM_001143973.2); short protein forms R363C.
Identifiers: ClinVar variation 1343672 (VCV001343672.6), dbSNP rs777277759, ClinGen allele CA5620969.

ClinVar aggregate classification (germline): Uncertain significance. Review status: criteria provided, multiple submitters, no conflicts (2 of 4 stars). 4 submissions from 4 submitters: Uncertain significance (4). Last evaluated 2024-03-08.

Conditions:
Inborn genetic diseases. Identifiers: MedGen C0950123, MeSH D030342.
Orofacial-digital syndrome IV (OFD4). Also called: Orofaciodigital syndrome IV; OFD SYNDROME WITH TIBIAL DEFECTS; OFD SYNDROME, BARAITSER-BURN TYPE; OFDS IV; ORAL-FACIAL-DIGITAL SYNDROME, TYPE IV; BARAITSER-BURN SYNDROME. Identifiers: Orphanet 2753, MedGen C0406727, MONDO:0009794, OMIM 258860.
Joubert syndrome 18 (JBTS18). Identifiers: Orphanet 2754, MedGen C3553758, MONDO:0013896, OMIM 614815.

Allele frequency attached by ClinVar (database versions not stated): ExAC 0.00002; gnomAD 0.00002 and 0.00003; TOPMed 0.00003; gnomAD exomes 0.00004 and 0.00005.
gnomAD v4.1: 78 of 1,613,854 alleles (0.0048%); highest among the groups gnomAD compares: South Asian, 0.021%; no homozygotes.

Submissions (4):

Blueprint Genetics
Classification: Uncertain significance. Last evaluated: 2024-03-08. Review status: criteria provided, single submitter. Criteria: ACMG Guidelines, 2015. Collection method: clinical testing. Allele origin: germline.

Ambry Genetics
Classification: Uncertain significance for Inborn genetic diseases. Last evaluated: 2023-08-04. Review status: criteria provided, single submitter. Criteria: Ambry Variant Classification Scheme 2023. Collection method: clinical testing. Allele origin: germline.

Labcorp Genetics (formerly Invitae), Labcorp
Classification: Uncertain significance for Joubert syndrome 18; Orofacial-digital syndrome IV. Last evaluated: 2022-07-12. Review status: criteria provided, single submitter. Criteria: Invitae Variant Classification Sherloc (09022015). Collection method: clinical testing. Allele origin: germline.
Comment: This sequence change replaces arginine, which is basic and polar, with cysteine, which is neutral and slightly polar, at codon 363 of the TCTN3 protein (p.Arg363Cys). This variant is present in population databases (rs777277759, gnomAD 0.02%). This variant has not been reported in the literature in individuals affected with TCTN3-related conditions. ClinVar contains an entry for this variant (Variation ID: 1343672). Algorithms developed to predict the effect of missense changes on protein structure and function (SIFT, PolyPhen-2, Align-GVGD) all suggest that this variant is likely to be disruptive. Algorithms developed to predict the effect of sequence changes on RNA splicing suggest that this variant may disrupt the consensus splice site. In summary, the available evidence is currently insufficient to determine the role of this variant in disease. Therefore, it has been classified as a Variant of Uncertain Significance.

Women's Health and Genetics/Laboratory Corporation of America, LabCorp
Classification: Uncertain significance. Last evaluated: 2022-02-17. Review status: criteria provided, single submitter. Criteria: LabCorp Variant Classification Summary - May 2015. Collection method: clinical testing. Allele origin: germline.